The following is an entry in ClinVar:

NM_002907.4(RECQL):c.1855A>C (p.Asn619His)

Genes: PYROXD1 (pyridine nucleotide-disulphide oxidoreductase domain 1; plus strand), RECQL (RecQ like helicase; minus strand). Cytogenetic location: 12p12.1.
Variant type: single nucleotide variant.
Coding change: c.1855A>C on transcript NM_002907.4 (MANE Select); coding-DNA position 1855, A replaced by C.
Protein change: p.Asn619His; replaces asparagine 619 with histidine.
Molecular consequence: missense variant. On other transcripts: 3 prime UTR variant (3).
Genome position (GRCh38, 1-based): chr12:21,470,289, T>G on the plus strand (A>C on the coding strand, the complement: RECQL is on the minus strand). VCF-style: chr12-21470289-T-G. GRCh37 (hg19) VCF-style: chr12-21623223-T-G.
Other names: c.1855A>C, p.Asn619His (NM_032941.3); c.*1535T>G (NM_001350912.2, NM_001350913.2, NM_024854.5); short protein forms N619H.
Identifiers: ClinVar variation 954727 (VCV000954727.15), dbSNP rs762888181, ClinGen allele CA6478601.

ClinVar aggregate classification (germline): Uncertain significance. Review status: criteria provided, multiple submitters, no conflicts (2 of 4 stars). 4 submissions from 4 submitters: Uncertain significance (4). Last evaluated 2025-11-05.

Allele frequency attached by ClinVar (database versions not stated): ExAC 0.00002; gnomAD exomes 0.00006; TOPMed 0.00001.

Submissions (4):

Labcorp Genetics (formerly Invitae), Labcorp
Classification: Uncertain significance. Last evaluated: 2025-11-05. Review status: criteria provided, single submitter. Criteria: Invitae Variant Classification Sherloc (09022015). Collection method: clinical testing. Allele origin: germline.
Comment: This sequence change replaces asparagine, which is neutral and polar, with histidine, which is basic and polar, at codon 619 of the RECQL protein (p.Asn619His). This variant is present in population databases (rs762888181, gnomAD 0.04%). This variant has not been reported in the literature in individuals affected with RECQL-related conditions. ClinVar contains an entry for this variant (Variation ID: 954727). An algorithm developed to predict the effect of missense changes on protein structure and function outputs the following: PolyPhen-2: "Benign". The histidine amino acid residue is found in multiple mammalian species, which suggests that this missense change does not adversely affect protein function. In summary, the available evidence is currently insufficient to determine the role of this variant in disease. Therefore, it has been classified as a Variant of Uncertain Significance.

Ambry Genetics
Classification: Uncertain significance. Last evaluated: 2025-08-05. Review status: criteria provided, single submitter. Criteria: Ambry Variant Classification Scheme 2023. Collection method: clinical testing. Allele origin: germline.

Quest Diagnostics Nichols Institute San Juan Capistrano
Classification: Uncertain significance. Last evaluated: 2023-06-20. Review status: criteria provided, single submitter. Criteria: Quest Diagnostics criteria. Collection method: clinical testing. Allele origin: unknown.
Comment: To the best of our knowledge, the variant has not been reported in the published literature. The frequency of this variant in the general population, 0.0004 (13/32264 chromosomes in Latino/Admixed American subpopulation), is higher than would generally be expected for pathogenic variants in this gene. Analysis of this variant using bioinformatics tools for the prediction of the effect of amino acid changes on protein structure and function yielded predictions that this variant is benign. Based on the available information, we are unable to determine the clinical significance of this variant.

GeneDx
Classification: Uncertain significance. Last evaluated: 2023-06-09. Review status: criteria provided, single submitter. Criteria: GeneDx Variant Classification Process June 2021. Collection method: clinical testing. Allele origin: germline.
Comment: In silico analysis supports that this missense variant does not alter protein structure/function; Has not been previously published as pathogenic or benign to our knowledge; Variants in candidate genes are classified as variants of uncertain significance in accordance with ACMG guidelines (PMID: 25741868); This variant is associated with the following publications: (PMID: 23396353, 27248010)